The following is an entry in ClinVar:

ClinVar aggregate classification (germline): Likely benign (1 of 4 stars; one submission).

gnomAD v4.1: 28 of 1,614,180 alleles (0.0017%); highest among the groups gnomAD compares: Non-Finnish European, 0.0024%; no homozygotes.

Submission:

CeGaT Center for Human Genetics Tuebingen
Classification: Likely benign. Last evaluated: 2025-09-01. Review status: criteria provided, single submitter. Criteria: CeGaT Center For Human Genetics Tuebingen Variant Classification Criteria Version 2. Collection method: clinical testing. Allele origin: germline. Affected: yes. Observed: 1 variant allele.
Comment: ZNF462: BP4, BS2

NM_021224.6(ZNF462):c.1939A>G (p.Ser647Gly)

Gene: ZNF462 (zinc finger protein 462; plus strand). Cytogenetic location: 9q31.2.
Variant type: single nucleotide variant.
Coding change: c.1939A>G on transcript NM_021224.6 (MANE Select); coding-DNA position 1939, A replaced by G.
Protein change: p.Ser647Gly; replaces serine 647 with glycine.
Molecular consequence: missense variant.
Genome position (GRCh38, 1-based): chr9:106,925,851, A>G. VCF-style: chr9-106925851-A-G. GRCh37 (hg19) VCF-style: chr9-109688132-A-G.
Other names: c.1939A>G, p.Ser647Gly (NM_001347997.2); short protein forms S647G.
Identifiers: ClinVar variation 4281263 (VCV004281263.7).